The following is an entry in ClinVar:

NM_001142800.2(EYS):c.8368A>G (p.Arg2790Gly)

Genes: EYS (EGF-like photoreceptor maintenance factor; minus strand), PHF3 (PHD finger protein 3; plus strand). Cytogenetic location: 6q12.
Variant type: single nucleotide variant.
Coding change: c.8368A>G on transcript NM_001142800.2 (MANE Select); coding-DNA position 8368, A replaced by G.
Protein change: p.Arg2790Gly; replaces arginine 2790 with glycine.
Molecular consequence: missense variant. On other transcripts: 3 prime UTR variant (5).
Genome position (GRCh38, 1-based): chr6:63,721,663, T>C on the plus strand (A>G on the coding strand, the complement: EYS is on the minus strand). VCF-style: chr6-63721663-T-C. GRCh37 (hg19) VCF-style: chr6-64431559-T-C.
Other names: c.8431A>G, p.Arg2811Gly (NM_001292009.2); c.*7955T>C (NM_001290259.2, NM_001370348.2, NM_001370349.2 and 2 more transcripts); short protein forms R2790G, R2811G.
Identifiers: ClinVar variation 438209 (VCV000438209.14), dbSNP rs1554163993, ClinGen allele CA364385090.
Genomic context (GRCh38, chr6:63,721,663, plus strand): 5'-TGGAGGCCTTTTCTGTTACATTTATCCCATCTAGATCCAGGTAGCCTTCTGCACCAACTC[T>C]TCCTGCTTTTATTATATGCCAAGTACTTCCGTTTATAGTTACTTTTTGGAGAGTTTCTAG-3'
Protein context (NP_001136272.1, residues 2780-2800): GSTWHIIKAG[Arg2790Gly]VGAEGYLDLD

ClinVar aggregate classification (germline): Likely pathogenic. Review status: criteria provided, multiple submitters, no conflicts (2 of 4 stars). 5 submissions from 5 submitters: Likely pathogenic (2). 3 of the submissions do not count toward it. Last evaluated 2025-07-25.

Conditions:
Retinitis pigmentosa 25 (RP25). Identifiers: Orphanet 791, MedGen C1864446, MONDO:0011272, OMIM 602772.
Retinitis pigmentosa (RP). Identifiers: Orphanet 791, MedGen C0035334, MeSH D012174, MONDO:0019200, OMIM 268000. Inheritance: Autosomal dominant, autosomal recessive and X linked inheritance.

Allele frequency attached by ClinVar (database versions not stated): gnomAD exomes 0.00001.
gnomAD v4.1: 12 of 1,551,530 alleles (0.00077%); highest among the groups gnomAD compares: Admixed American, 0.002%; no homozygotes.

Submissions (5):

Women's Health and Genetics/Laboratory Corporation of America, LabCorp
Classification: Likely pathogenic for Retinitis pigmentosa. Last evaluated: 2025-07-25. Review status: criteria provided, single submitter. Criteria: LabCorp Variant Classification Summary - May 2015. Collection method: clinical testing. Allele origin: germline.
Comment: Variant summary: EYS c.8368A>G (p.Arg2790Gly) results in a non-conservative amino acid change located in the Laminin G domain (IPR001791) of the encoded protein sequence. Algorithms developed to predict the effect of missense changes on protein structure and function are either unavailable or do not agree on the potential impact of this missense change. The variant was absent in 156774 control chromosomes (gnomAD). c.8368A>G has been observed in multiple individuals with clinical features of Retinitis Pigmentosa (e.g. Carss_2017 and Labcorp (formerly Invitae) internal cases). These data indicate that the variant is likely to be associated with disease. To our knowledge, no experimental evidence demonstrating an impact on protein function has been reported. The following publication have been ascertained in the context of this evaluation (PMID: 28041643). ClinVar contains an entry for this variant (Variation ID: 438209). Based on the evidence outlined above, the variant was classified as likely pathogenic.

Labcorp Genetics (formerly Invitae), Labcorp
Classification: Likely pathogenic. Last evaluated: 2023-10-13. Review status: criteria provided, single submitter. Criteria: Invitae Variant Classification Sherloc (09022015). Collection method: clinical testing. Allele origin: germline.
Comment: This sequence change replaces arginine, which is basic and polar, with glycine, which is neutral and non-polar, at codon 2790 of the EYS protein (p.Arg2790Gly). This variant is not present in population databases (gnomAD no frequency). This missense change has been observed in individuals with clinical features of retinitis pigmentosa (PMID: 28041643; Invitae). ClinVar contains an entry for this variant (Variation ID: 438209). Advanced modeling of protein sequence and biophysical properties (such as structural, functional, and spatial information, amino acid conservation, physicochemical variation, residue mobility, and thermodynamic stability) has been performed at Invitae for this missense variant, however the output from this modeling did not meet the statistical confidence thresholds required to predict the impact of this variant on EYS protein function. In summary, the currently available evidence indicates that the variant is pathogenic, but additional data are needed to prove that conclusively. Therefore, this variant has been classified as Likely Pathogenic.

Natera, Inc.
Classification: Uncertain significance for Retinitis pigmentosa type 25. Last evaluated: 2025-03-27. Review status: no assertion criteria provided. Collection method: clinical testing. Allele origin: germline. Not counted in ClinVar's aggregate classification.

Counsyl
Classification: Uncertain significance for Retinitis pigmentosa 25. Last evaluated: 2017-10-24. Review status: no assertion criteria provided. Collection method: clinical testing. Allele origin: unknown. Not counted in ClinVar's aggregate classification.

NIHR Bioresource Rare Diseases, University of Cambridge
Classification: Likely pathogenic for Retinitis pigmentosa. Last evaluated: 2015-01-01. Review status: no assertion criteria provided. Collection method: research. Allele origin: unknown. Affected: yes. Observed: 1 variant allele. Not counted in ClinVar's aggregate classification.

Literature cited by the submitters: PubMed 28041643 (cited by 4 submitters).